The following is an entry in ClinVar:

NM_000026.4(ADSL):c.925C>T (p.Arg309Cys)

Gene: ADSL (adenylosuccinate lyase; plus strand). Cytogenetic location: 22q13.1.
Variant type: single nucleotide variant.
Coding change: c.925C>T on transcript NM_000026.4 (MANE Select); coding-DNA position 925, C replaced by T.
Protein change: p.Arg309Cys; replaces arginine 309 with cysteine.
Molecular consequence: missense variant. On other transcripts: non-coding transcript variant (1).
Genome position (GRCh38, 1-based): chr22:40,361,550, C>T. VCF-style: chr22-40361550-C-T. GRCh37 (hg19) VCF-style: chr22-40757554-C-T.
Other names: p.R309C:CGC>TGC; p.Arg309Cys; c.925C>T (NM_000026.3); c.925C>T, p.Arg309Cys (NM_001123378.3, NM_001363840.3); c.733C>T, p.Arg245Cys (NM_001317923.2); short protein forms R309C, R245C.
Identifiers: ClinVar variation 204791 (VCV000204791.18), dbSNP rs376357524, ClinGen allele CA313103.
Genomic context (GRCh38, chr22:40,361,550, plus strand): 5'-TCAAGTGCGATGCCATATAAGCGGAATCCCATGCGTTCAGAACGTTGCTGCAGTCTTGCC[C>T]GCCACCTGATGACCCTTGTCATGGACCCGCTACAGACAGCATCTGTCCAGTGGTTTGAAC-3'
Protein context (NP_000017.1, residues 299-319): MRSERCCSLA[Arg309Cys]HLMTLVMDPL

ClinVar aggregate classification (germline): Uncertain significance. Review status: criteria provided, multiple submitters, no conflicts (2 of 4 stars). 7 submissions from 7 submitters: Uncertain significance (7). Last evaluated 2025-05-23.

Conditions:
Inborn genetic diseases. Identifiers: MedGen C0950123, MeSH D030342.
Adenylosuccinate lyase deficiency (ADSLD). Also called: ADSL DEFICIENCY. Identifiers: Orphanet 46, MedGen C0268126, MONDO:0007068, OMIM 103050.

Allele frequency attached by ClinVar (database versions not stated): gnomAD 0.00006; ESP Exome Variant Server 0.00008; ExAC 0.00003; gnomAD exomes 0.00003 and 0.00004; TOPMed 0.00003.
gnomAD v4.1: 62 of 1,614,062 alleles (0.0038%); highest among the groups gnomAD compares: Non-Finnish European, 0.0047%; no homozygotes.

Submissions (7):

Ambry Genetics
Classification: Uncertain significance for Inborn genetic diseases. Last evaluated: 2025-05-23. Review status: criteria provided, single submitter. Criteria: Ambry Variant Classification Scheme 2023. Collection method: clinical testing. Allele origin: germline.

Blueprint Genetics
Classification: Uncertain significance. Last evaluated: 2024-06-12. Review status: criteria provided, single submitter. Criteria: ACMG Guidelines, 2015. Collection method: clinical testing. Allele origin: germline.

Labcorp Genetics (formerly Invitae), Labcorp
Classification: Uncertain significance for Adenylosuccinate lyase deficiency. Last evaluated: 2024-02-05. Review status: criteria provided, single submitter. Criteria: Invitae Variant Classification Sherloc (09022015). Collection method: clinical testing. Allele origin: germline.
Comment: This sequence change replaces arginine, which is basic and polar, with cysteine, which is neutral and slightly polar, at codon 309 of the ADSL protein (p.Arg309Cys). This variant is present in population databases (rs376357524, gnomAD 0.01%). This variant has not been reported in the literature in individuals affected with ADSL-related conditions. ClinVar contains an entry for this variant (Variation ID: 204791). Advanced modeling of protein sequence and biophysical properties (such as structural, functional, and spatial information, amino acid conservation, physicochemical variation, residue mobility, and thermodynamic stability) performed at Invitae indicates that this missense variant is expected to disrupt ADSL protein function with a positive predictive value of 80%. In summary, the available evidence is currently insufficient to determine the role of this variant in disease. Therefore, it has been classified as a Variant of Uncertain Significance.

Mayo Clinic Laboratories, Mayo Clinic
Classification: Uncertain significance. Last evaluated: 2022-02-04. Review status: criteria provided, single submitter. Criteria: ACMG Guidelines, 2015. Collection method: clinical testing. Allele origin: germline. Observed: 1 variant allele.
Comment: PP3, PM2

Revvity Omics, Revvity
Classification: Uncertain significance for Adenylosuccinate lyase deficiency. Last evaluated: 2021-04-16. Review status: criteria provided, single submitter. Criteria: ACMG Guidelines, 2015. Collection method: clinical testing. Allele origin: germline.

Fulgent Genetics
Classification: Uncertain significance for Adenylosuccinate lyase deficiency. Last evaluated: 2018-10-31. Review status: criteria provided, single submitter. Criteria: ACMG Guidelines, 2015. Collection method: clinical testing. Allele origin: unknown.

GeneDx
Classification: Uncertain significance. Last evaluated: 2015-03-05. Review status: criteria provided, single submitter. Criteria: GeneDx Variant Classification (06012015). Collection method: clinical testing. Allele origin: germline. Affected: yes.
Comment: p.Arg309Cys (CGC>TGC): c.925 C>T in exon 9 of the ADSL gene (NM_000026.2) The Arg309Cys missense change in the ADSL gene has not been published as a mutation, nor has it been reported as a benign polymorphism to our knowledge. This variant is a non-conservative amino acid substitution of a positively charged Arginine residue with an uncharged Cysteine residue, and the addition of a Cysteine may alter disulfide bonds and the secondary structure of the protein. It alters a position that is conserved across species, and other missense mutations associated with adenylosuccinate lyase deficiency have been reported nearby (Arg303Cys and Leu311Val). Additionally, in silico analysis predicts this variant is probably damaging to the protein structure/function. However, based on the currently available information, it is unclear whether Arg309Cys is a disease-causing mutation or a rare benign variant. The variant is found in CHILD-EPI panel(s).